The following is an entry in ClinVar:

NM_004963.4(GUCY2C):c.525G>A (p.Trp175Ter)

Genes: GUCY2C (guanylate cyclase 2C; minus strand), GUCY2C-AS1 (GUCY2C antisense RNA 1; plus strand). Cytogenetic location: 12p12.3.
Variant type: single nucleotide variant.
Coding change: c.525G>A on transcript NM_004963.4 (MANE Select); coding-DNA position 525, G replaced by A.
Protein change: p.Trp175Ter; replaces tryptophan 175 with a stop codon.
Molecular consequence: nonsense.
Genome position (GRCh38, 1-based): chr12:14,683,128, C>T on the plus strand (G>A on the coding strand, the complement: GUCY2C is on the minus strand). VCF-style: chr12-14683128-C-T. GRCh37 (hg19) VCF-style: chr12-14836062-C-T.
Other names: short protein forms W175*.
Identifiers: ClinVar variation 3033238 (VCV003033238.2), dbSNP rs2497801589, ClinGen allele CA384006258.

ClinVar aggregate classification (germline): Uncertain significance (0 of 4 stars; one submission).

Conditions:
GUCY2C-related disorder. Also called: GUCY2C-related condition.

Submission:

PreventionGenetics, part of Exact Sciences
Classification: Uncertain significance for GUCY2C-related condition. Last evaluated: 2024-01-08. Review status: no assertion criteria provided. Collection method: clinical testing. Allele origin: germline.
Comment: The GUCY2C c.525G>A variant is predicted to result in premature protein termination (p.Trp175*). To our knowledge, this variant has not been reported in the literature or in a large population database, indicating this variant is rare. Of note, loss of function variants have not commonly been reported in the GUCY2C gene. Although we suspect that this variant may be pathogenic, at this time, the clinical significance of this variant is uncertain due to the absence of conclusive functional and genetic evidence.